The following is an entry in ClinVar:

ClinVar aggregate classification (germline): Uncertain significance (1 of 4 stars; one submission).

Conditions:
Long QT syndrome (LQTS). Identifiers: MedGen C0023976, MeSH D008133, MONDO:0002442. Disease mechanism: loss of function. Inheritance: Various modes of inheritance.

Submission:

Labcorp Genetics (formerly Invitae), Labcorp
Classification: Uncertain significance for Long QT syndrome. Last evaluated: 2024-01-26. Review status: criteria provided, single submitter. Criteria: Invitae Variant Classification Sherloc (09022015). Collection method: clinical testing. Allele origin: germline.
Comment: This sequence change replaces glutamic acid, which is acidic and polar, with aspartic acid, which is acidic and polar, at codon 3783 of the ANK2 protein (p.Glu3783Asp). This variant is not present in population databases (gnomAD no frequency). This variant has not been reported in the literature in individuals affected with ANK2-related conditions. Advanced modeling of protein sequence and biophysical properties (such as structural, functional, and spatial information, amino acid conservation, physicochemical variation, residue mobility, and thermodynamic stability) performed at Invitae indicates that this missense variant is not expected to disrupt ANK2 protein function with a negative predictive value of 80%. In summary, the available evidence is currently insufficient to determine the role of this variant in disease. Therefore, it has been classified as a Variant of Uncertain Significance.

NM_001148.6(ANK2):c.11349G>C (p.Glu3783Asp)

Gene: ANK2 (ankyrin 2; plus strand). Cytogenetic location: 4q26.
Variant type: single nucleotide variant.
Coding change: c.11349G>C on transcript NM_001148.6 (MANE Select); coding-DNA position 11349, G replaced by C.
Protein change: p.Glu3783Asp; replaces glutamic acid 3783 with aspartic acid.
Molecular consequence: missense variant.
Genome position (GRCh38, 1-based): chr4:113,369,544, G>C. VCF-style: chr4-113369544-G-C. GRCh37 (hg19) VCF-style: chr4-114290700-G-C.
Other names: c.5067G>C, p.Glu1689Asp (NM_001127493.3); c.5106G>C, p.Glu1702Asp (NM_001354225.2); c.4995G>C, p.Glu1665Asp (NM_001354228.2, NM_001354258.2); c.5073G>C, p.Glu1691Asp (NM_001354230.2); c.5136G>C, p.Glu1712Asp (NM_001354231.2, NM_001354242.2); c.5130G>C, p.Glu1710Asp (NM_001354232.2); c.5091G>C, p.Glu1697Asp (NM_001354235.2, NM_001354246.2, NM_001354265.2); c.4992G>C, p.Glu1664Asp (NM_001354236.2); and 35 more; short protein forms E1620D, E1623D, E1632D, E1653D, E1681D, E1691D, E1697D, E1698D.
Identifiers: ClinVar variation 2707247 (VCV002707247.3), dbSNP rs2154065885, ClinGen allele CA357942524.